The following is an entry in ClinVar:

NM_020232.5(PSMG2):c.433C>T (p.Pro145Ser)

Gene: PSMG2 (proteasome assembly chaperone 2; plus strand). Cytogenetic location: 18p11.21.
Variant type: single nucleotide variant.
Coding change: c.433C>T on transcript NM_020232.5 (MANE Select); coding-DNA position 433, C replaced by T.
Protein change: p.Pro145Ser; replaces proline 145 with serine.
Molecular consequence: missense variant.
Genome position (GRCh38, 1-based): chr18:12,720,535, C>T. VCF-style: chr18-12720535-C-T. GRCh37 (hg19) VCF-style: chr18-12720534-C-T.
Other names: c.340C>T, p.Pro114Ser (NM_147163.2); short protein forms P145S, P114S.
Identifiers: ClinVar variation 2968329 (VCV002968329.3), dbSNP rs758805643, ClinGen allele CA8898407.

ClinVar aggregate classification (germline): Uncertain significance (1 of 4 stars; one submission).

Allele frequency attached by ClinVar (database versions not stated): gnomAD exomes below 0.00001; TOPMed below 0.00001; gnomAD 0.00001; ExAC 0.00002.

Submission:

Labcorp Genetics (formerly Invitae), Labcorp
Classification: Uncertain significance. Last evaluated: 2023-02-10. Review status: criteria provided, single submitter. Criteria: Invitae Variant Classification Sherloc (09022015). Collection method: clinical testing. Allele origin: germline.
Comment: This sequence change replaces proline, which is neutral and non-polar, with serine, which is neutral and polar, at codon 145 of the PSMG2 protein (p.Pro145Ser). This variant is present in population databases (rs758805643, gnomAD 0.009%). This variant has not been reported in the literature in individuals affected with PSMG2-related conditions. Algorithms developed to predict the effect of missense changes on protein structure and function are either unavailable or do not agree on the potential impact of this missense change (SIFT: "Deleterious"; PolyPhen-2: "Possibly Damaging"; Align-GVGD: "Class C0"). In summary, the available evidence is currently insufficient to determine the role of this variant in disease. Therefore, it has been classified as a Variant of Uncertain Significance.